The following is an entry in ClinVar:

ClinVar aggregate classification (germline): Uncertain significance (1 of 4 stars; one submission).

Allele frequency attached by ClinVar (database versions not stated): gnomAD exomes 0.00001.
gnomAD v4.1: 19 of 1,613,628 alleles (0.0012%); highest among the groups gnomAD compares: Middle Eastern, 0.017%; no homozygotes.

Submission:

Labcorp Genetics (formerly Invitae), Labcorp
Classification: Uncertain significance. Last evaluated: 2022-01-31. Review status: criteria provided, single submitter. Criteria: Invitae Variant Classification Sherloc (09022015). Collection method: clinical testing. Allele origin: germline.
Comment: This sequence change replaces aspartic acid, which is acidic and polar, with asparagine, which is neutral and polar, at codon 665 of the LRP2 protein (p.Asp665Asn). This variant is present in population databases (no rsID available, gnomAD 0.006%). This variant has not been reported in the literature in individuals affected with LRP2-related conditions. Advanced modeling of protein sequence and biophysical properties (such as structural, functional, and spatial information, amino acid conservation, physicochemical variation, residue mobility, and thermodynamic stability) performed at Invitae indicates that this missense variant is not expected to disrupt LRP2 protein function. In summary, the available evidence is currently insufficient to determine the role of this variant in disease. Therefore, it has been classified as a Variant of Uncertain Significance.

NM_004525.3(LRP2):c.1993G>A (p.Asp665Asn)

Gene: LRP2 (LDL receptor related protein 2; minus strand). Cytogenetic location: 2q31.1.
Variant type: single nucleotide variant.
Coding change: c.1993G>A on transcript NM_004525.3 (MANE Select); coding-DNA position 1993, G replaced by A.
Protein change: p.Asp665Asn; replaces aspartic acid 665 with asparagine.
Molecular consequence: missense variant.
Genome position (GRCh38, 1-based): chr2:169,273,050, C>T on the plus strand (G>A on the coding strand, the complement: LRP2 is on the minus strand). VCF-style: chr2-169273050-C-T. GRCh37 (hg19) VCF-style: chr2-170129560-C-T.
Other names: short protein forms D665N.
Identifiers: ClinVar variation 1923131 (VCV001923131.2), dbSNP rs1213033893, ClinGen allele CA349140991.